The following is an entry in ClinVar:

ClinVar aggregate classification (germline): Uncertain significance. Review status: criteria provided, multiple submitters, no conflicts (2 of 4 stars). 3 submissions from 3 submitters: Uncertain significance (3). Last evaluated 2022-03-31.

Conditions:
Congenital stationary night blindness 1E. Also called: Night blindness, congenital stationary (complete), 1E, autosomal recessive. Identifiers: Orphanet 215, MedGen C3281215, MONDO:0013807, OMIM 614565.

Allele frequency attached by ClinVar (database versions not stated): gnomAD 0.00002.
gnomAD v4.1: 22 of 1,614,114 alleles (0.0014%); highest among the groups gnomAD compares: East Asian, 0.011%; no homozygotes.

Submissions (3):

Labcorp Genetics (formerly Invitae), Labcorp
Classification: Uncertain significance. Last evaluated: 2022-03-31. Review status: criteria provided, single submitter. Criteria: Invitae Variant Classification Sherloc (09022015). Collection method: clinical testing. Allele origin: germline.
Comment: This sequence change creates a premature translational stop signal (p.Glu2265*) in the GPR179 gene. While this is not anticipated to result in nonsense mediated decay, it is expected to disrupt the last 103 amino acid(s) of the GPR179 protein. This variant is present in population databases (no rsID available, gnomAD 0.02%). This variant has not been reported in the literature in individuals affected with GPR179-related conditions. Experimental studies and prediction algorithms are not available or were not evaluated, and the functional significance of this variant is currently unknown. In summary, the available evidence is currently insufficient to determine the role of this variant in disease. Therefore, it has been classified as a Variant of Uncertain Significance.

Blueprint Genetics
Classification: Uncertain significance. Last evaluated: 2020-05-11. Review status: criteria provided, single submitter. Criteria: ACMG Guidelines, 2015. Collection method: clinical testing. Allele origin: germline.

Juno Genomics, Hangzhou Juno Genomics, Inc
Classification: Uncertain significance for Congenital stationary night blindness 1E. Review status: criteria provided, single submitter. Criteria: ACMG Guidelines, 2015. Collection method: clinical testing. Allele origin: germline.
Comment: Null variant in a gene where loss of function (LOF) is a known mechanism of disease.;Absent from controls (or at extremely low frequency if recessive) in Genome Aggregation Database.

NM_001004334.4(GPR179):c.6793G>T (p.Glu2265Ter)

Gene: GPR179 (G protein-coupled receptor 179; minus strand). Cytogenetic location: 17q12.
Variant type: single nucleotide variant.
Coding change: c.6793G>T on transcript NM_001004334.4 (MANE Select); coding-DNA position 6793, G replaced by T.
Protein change: p.Glu2265Ter; replaces glutamic acid 2265 with a stop codon.
Molecular consequence: nonsense.
Genome position (GRCh38, 1-based): chr17:38,326,776, C>A on the plus strand (G>T on the coding strand, the complement: GPR179 is on the minus strand). VCF-style: chr17-38326776-C-A. GRCh37 (hg19) VCF-style: chr17-36482659-C-A.
Other names: short protein forms E2265*.
Identifiers: ClinVar variation 1429335 (VCV001429335.7), dbSNP rs561096333, ClinGen allele CA398868350.